The following is an entry in ClinVar:

ClinVar aggregate classification (germline): Uncertain significance (1 of 4 stars; one submission).

Submission:

GeneDx
Classification: Uncertain significance. Last evaluated: 2020-01-03. Review status: criteria provided, single submitter. Criteria: GeneDx Variant Classification Process June 2021. Collection method: clinical testing. Allele origin: germline. Affected: yes.
Comment: Not observed in large population cohorts (Lek et al., 2016); In silico analysis, which includes protein predictors and evolutionary conservation, supports that this variant does not alter protein structure/function; Has not been previously published as pathogenic or benign to our knowledge

NM_001385079.1(PDE10A):c.2729A>G (p.Gln910Arg)

Gene: PDE10A (phosphodiesterase 10A; minus strand). Cytogenetic location: 6q27.
Variant type: single nucleotide variant.
Coding change: c.2729A>G on transcript NM_001385079.1 (MANE Select); coding-DNA position 2729, A replaced by G.
Protein change: p.Gln910Arg; replaces glutamine 910 with arginine.
Molecular consequence: missense variant.
Genome position (GRCh38, 1-based): chr6:165,379,248, T>C on the plus strand (A>G on the coding strand, the complement: PDE10A is on the minus strand). VCF-style: chr6-165379248-T-C. GRCh37 (hg19) VCF-style: chr6-165792737-T-C.
Other names: c.1931A>G, p.Gln644Arg (NM_001130690.3); c.1901A>G, p.Gln634Arg (NM_006661.4); short protein forms Q634R, Q644R, Q910R.
Identifiers: ClinVar variation 1306400 (VCV001306400.2), dbSNP rs2128206901, ClinGen allele CA366392182.